The following is an entry in ClinVar:

NM_002047.4(GARS1):c.427_427+8del

Gene: GARS1 (glycyl-tRNA synthetase 1; plus strand). Cytogenetic location: 7p14.3.
Variant type: Deletion.
Coding change: c.427_427+8del on transcript NM_002047.4 (MANE Select); coding-DNA position 427 through 8 bases into the intron after coding-DNA position 427, 9 bases deleted (GGTAAGGGA; older notation c.427_427+8delGGTAAGGGA).
Molecular consequence: splice donor variant.
Genome position (GRCh38, 1-based): chr7:30,600,049-30,600,057, GGTAAGGGA deleted; deleting any 9 consecutive bases within chr7:30,600,046-30,600,057 gives the same sequence; the c. name uses the placement nearest the transcript's 3' end. VCF-style (leftmost placement, unchanged base first): chr7-30600045-TGGAGGTAAG-T. GRCh37 (hg19) VCF-style: chr7-30639661-TGGAGGTAAG-T.
Other names: c.265_265+8del (NM_001316772.1).
Identifiers: ClinVar variation 4681753 (VCV004681753.5).
Genomic context (GRCh38, chr7:30,600,045, plus strand): 5'-AGCAAAAATGGAAGATACCCTGAAGAGGAGGTTTTTCTATGATCAAGCTTTTGCTATTTA[TGGAGGTAAG>T]GGATTAATGACAAAAAGAACTATTGTGTTGTTAGTGGCTCTAATATTATACTTAAATCAA-3'

ClinVar aggregate classification (germline): Uncertain significance (1 of 4 stars; one submission).

Submission:

CeGaT Center for Human Genetics Tuebingen
Classification: Uncertain significance. Last evaluated: 2025-12-01. Review status: criteria provided, single submitter. Criteria: CeGaT Center For Human Genetics Tuebingen Variant Classification Criteria Version 2. Collection method: clinical testing. Allele origin: germline. Affected: yes. Observed: 1 variant allele.
Comment: GARS1: PM2, PVS1:Moderate